The following is an entry in ClinVar:

ClinVar aggregate classification (germline): Uncertain significance (1 of 4 stars; one submission).

Conditions:
Cardiovascular phenotype. Identifiers: MedGen CN230736.

gnomAD v4.1: 21 of 1,548,628 alleles (0.0014%); highest among the groups gnomAD compares: Non-Finnish European, 0.001%; no homozygotes.

Submission:

Ambry Genetics
Classification: Uncertain significance for Cardiovascular phenotype. Last evaluated: 2023-04-03. Review status: criteria provided, single submitter. Criteria: Ambry Variant Classification Scheme 2023. Collection method: clinical testing. Allele origin: germline.
Comment: The p.P3372Q variant (also known as c.10115C>A), located in coding exon 2 of the ZNF469 gene, results from a C to A substitution at nucleotide position 10115. The proline at codon 3372 is replaced by glutamine, an amino acid with similar properties. This amino acid position is conserved. In addition, this alteration is predicted to be tolerated by in silico analysis. Since supporting evidence is limited at this time, the clinical significance of this alteration remains unclear.

NM_001367624.2(ZNF469):c.10199C>A (p.Pro3400Gln)

Gene: ZNF469 (zinc finger protein 469; plus strand). Cytogenetic location: 16q24.2.
Variant type: single nucleotide variant.
Coding change: c.10199C>A on transcript NM_001367624.2 (MANE Select); coding-DNA position 10199, C replaced by A.
Protein change: p.Pro3400Gln; replaces proline 3400 with glutamine.
Molecular consequence: missense variant.
Genome position (GRCh38, 1-based): chr16:88,437,669, C>A. VCF-style: chr16-88437669-C-A. GRCh37 (hg19) VCF-style: chr16-88504077-C-A.
Other names: NM_001127464.1:c.10115C>A; short protein forms P3400Q.
Identifiers: ClinVar variation 2561842 (VCV002561842.2), dbSNP rs281165933, ClinGen allele CA286386313.